The following is an entry in ClinVar:

ClinVar aggregate classification (germline): Benign. Review status: criteria provided, multiple submitters, no conflicts (2 of 4 stars). 3 submissions from 3 submitters: Benign (3). Last evaluated 2019-08-10.

Conditions:
Autosomal recessive nonsyndromic hearing loss 8 (DFNB8). Also called: Deafness, autosomal recessive 10; NEUROSENSORY NONSYNDROMIC RECESSIVE DEAFNESS 8. Identifiers: Orphanet 90636, MedGen C1832827, MONDO:0010987, OMIM 601072.

Allele frequency attached by ClinVar (database versions not stated): TOPMed 0.34224; gnomAD 0.35946 and 0.35254; 1000 Genomes Project 0.23003; 1000 Genomes Project 30x 0.23532; gnomAD exomes 0.37957 and 0.40253; ExAC 0.44093.
gnomAD v4.1: 274,164 of 700,476 alleles (39%); highest among the groups gnomAD compares: Non-Finnish European, 46%; 59,544 homozygotes.

Submissions (3):

GeneDx
Classification: Benign. Last evaluated: 2019-08-10. Review status: criteria provided, single submitter. Criteria: GeneDx Variant Classification Process June 2021. Collection method: clinical testing. Allele origin: germline. Affected: yes.

Illumina Laboratory Services, Illumina
Classification: Benign for Autosomal recessive nonsyndromic hearing loss 8. Last evaluated: 2018-01-12. Review status: criteria provided, single submitter. Criteria: ICSL Variant Classification Criteria 13 December 2019. Collection method: clinical testing. Allele origin: germline.
Comment: This variant was observed in the ICSL laboratory as part of a predisposition screen in an ostensibly healthy population. It had not been previously curated by ICSL or reported in the Human Gene Mutation Database (HGMD: prior to June 1st, 2018), and was therefore a candidate for classification through an automated scoring system. Utilizing variant allele frequency, disease prevalence and penetrance estimates, and inheritance mode, an automated score was calculated to assess if this variant is too frequent to cause the disease. Based on the score and internal cut-off values, a variant classified as benign is not then subjected to further curation. The score for this variant resulted in a classification of benign for this disease.

Breakthrough Genomics
Classification: Benign. Review status: criteria provided, single submitter. Criteria: ACMG Guidelines, 2015. Collection method: not provided. Allele origin: germline. Inheritance: Autosomal recessive inheritance. Affected: yes.

NM_001256317.3(TMPRSS3):c.*206A>G

Gene: TMPRSS3 (transmembrane serine protease 3; minus strand). Cytogenetic location: 21q22.3.
Variant type: single nucleotide variant.
Coding change: c.*206A>G on transcript NM_001256317.3 (MANE Select); 206 bases downstream of the stop codon, A replaced by G.
Molecular consequence: 3 prime UTR variant.
Genome position (GRCh38, 1-based): chr21:42,372,556, T>C on the plus strand (A>G on the coding strand, the complement: TMPRSS3 is on the minus strand). VCF-style: chr21-42372556-T-C. GRCh37 (hg19) VCF-style: chr21-43792665-T-C.
Other names: c.*206A>G (NM_024022.4, NM_032404.3).
Identifiers: ClinVar variation 340054 (VCV000340054.9), dbSNP rs225309, ClinGen allele CA10042174.